The following is an entry in ClinVar:

NM_005902.4(SMAD3):c.292C>T (p.His98Tyr)

Gene: SMAD3 (SMAD family member 3; plus strand). Cytogenetic location: 15q22.33.
Variant type: single nucleotide variant.
Coding change: c.292C>T on transcript NM_005902.4 (MANE Select); coding-DNA position 292, C replaced by T.
Protein change: p.His98Tyr; replaces histidine 98 with tyrosine.
Molecular consequence: missense variant. On other transcripts: 5 prime UTR variant (1).
Genome position (GRCh38, 1-based): chr15:67,164,980, C>T. VCF-style: chr15-67164980-C-T. GRCh37 (hg19) VCF-style: chr15-67457318-C-T.
Other names: c.-24C>T (NM_001145102.2); c.160C>T, p.His54Tyr (NM_001145103.2); short protein forms H54Y, H98Y.
Identifiers: ClinVar variation 927934 (VCV000927934.6), dbSNP rs1962536933, ClinGen allele CA392953943.

ClinVar aggregate classification (germline): Uncertain significance. Review status: criteria provided, multiple submitters, no conflicts (2 of 4 stars). 2 submissions from 2 submitters: Uncertain significance (2). Last evaluated 2023-06-22.

Conditions:
Familial thoracic aortic aneurysm and aortic dissection (TAAD). Also called: Thoracic aortic aneurysms and dissections. Identifiers: Orphanet 91387, MedGen C4707243, MONDO:0019625.

Submissions (2):

Labcorp Genetics (formerly Invitae), Labcorp
Classification: Uncertain significance for Familial thoracic aortic aneurysm and aortic dissection. Last evaluated: 2023-06-22. Review status: criteria provided, single submitter. Criteria: Invitae Variant Classification Sherloc (09022015). Collection method: clinical testing. Allele origin: germline.
Comment: ClinVar contains an entry for this variant (Variation ID: 927934). This sequence change replaces histidine, which is basic and polar, with tyrosine, which is neutral and polar, at codon 98 of the SMAD3 protein (p.His98Tyr). This variant is not present in population databases (gnomAD no frequency). This variant has not been reported in the literature in individuals affected with SMAD3-related conditions. Advanced modeling of protein sequence and biophysical properties (such as structural, functional, and spatial information, amino acid conservation, physicochemical variation, residue mobility, and thermodynamic stability) performed at Invitae indicates that this missense variant is not expected to disrupt SMAD3 protein function. In summary, the available evidence is currently insufficient to determine the role of this variant in disease. Therefore, it has been classified as a Variant of Uncertain Significance.

Color Diagnostics, LLC DBA Color Health
Classification: Uncertain significance for Familial thoracic aortic aneurysm and aortic dissection. Last evaluated: 2020-01-08. Review status: criteria provided, single submitter. Criteria: ACMG Guidelines, 2015. Collection method: clinical testing. Allele origin: germline.
Comment: This missense variant replaces histidine with tyrosine at codon 98 of the SMAD3 protein. Computational prediction suggests that this variant may not impact protein structure and function (internally defined REVEL score threshold <= 0.5, PMID: 27666373). Splice site prediction tools suggest that this variant may not impact RNA splicing. To our knowledge, functional studies have not been performed for this variant. This variant has not been reported in individuals affected with cardiovascular disorders in the literature. This variant has not been identified in the general population by the Genome Aggregation Database (gnomAD). The available evidence is insufficient to determine the role of this variant in disease conclusively. Therefore, this variant is classified as a Variant of Uncertain Significance.